The following is an entry in ClinVar:

ClinVar aggregate classification (germline): Uncertain significance (1 of 4 stars; one submission).

Allele frequency attached by ClinVar (database versions not stated): ExAC 0.00001; gnomAD exomes 0.00001.
gnomAD v4.1: 16 of 1,614,216 alleles (0.00099%); highest among the groups gnomAD compares: Admixed American, 0.0017%; no homozygotes.

Submission:

Labcorp Genetics (formerly Invitae), Labcorp
Classification: Uncertain significance. Last evaluated: 2024-02-07. Review status: criteria provided, single submitter. Criteria: Invitae Variant Classification Sherloc (09022015). Collection method: clinical testing. Allele origin: germline.
Comment: This sequence change replaces valine, which is neutral and non-polar, with leucine, which is neutral and non-polar, at codon 533 of the C1S protein (p.Val533Leu). This variant is present in population databases (rs782665544, gnomAD 0.003%). This variant has not been reported in the literature in individuals affected with C1S-related conditions. ClinVar contains an entry for this variant (Variation ID: 1937657). Advanced modeling of protein sequence and biophysical properties (such as structural, functional, and spatial information, amino acid conservation, physicochemical variation, residue mobility, and thermodynamic stability) performed at Invitae indicates that this missense variant is not expected to disrupt C1S protein function with a negative predictive value of 80%. In summary, the available evidence is currently insufficient to determine the role of this variant in disease. Therefore, it has been classified as a Variant of Uncertain Significance.

NM_001734.5(C1S):c.1597G>T (p.Val533Leu)

Gene: C1S (complement C1s; plus strand). Cytogenetic location: 12p13.31.
Variant type: single nucleotide variant.
Coding change: c.1597G>T on transcript NM_001734.5 (MANE Select); coding-DNA position 1597, G replaced by T.
Protein change: p.Val533Leu; replaces valine 533 with leucine.
Molecular consequence: missense variant.
Genome position (GRCh38, 1-based): chr12:7,070,181, G>T. VCF-style: chr12-7070181-G-T. GRCh37 (hg19) VCF-style: chr12-7177485-G-T.
Other names: c.1096G>T, p.Val366Leu (NM_001346850.2); c.1597G>T, p.Val533Leu (NM_201442.4); short protein forms V533L, V366L.
Identifiers: ClinVar variation 1937657 (VCV001937657.5), dbSNP rs782665544, ClinGen allele CA6423813.